The following is an entry in ClinVar:

NM_018249.6(CDK5RAP2):c.4156A>G (p.Met1386Val)

Gene: CDK5RAP2 (CDK5 regulatory subunit associated protein 2; minus strand). Cytogenetic location: 9q33.2.
Variant type: single nucleotide variant.
Coding change: c.4156A>G on transcript NM_018249.6 (MANE Select); coding-DNA position 4156, A replaced by G.
Protein change: p.Met1386Val; replaces methionine 1386 with valine.
Molecular consequence: missense variant. On other transcripts: non-coding transcript variant (5).
Genome position (GRCh38, 1-based): chr9:120,419,809, T>C on the plus strand (A>G on the coding strand, the complement: CDK5RAP2 is on the minus strand). VCF-style: chr9-120419809-T-C. GRCh37 (hg19) VCF-style: chr9-123182087-T-C.
Other names: c.4156A>G, p.Met1386Val (NM_001011649.3); c.3466A>G, p.Met1156Val (NM_001272039.2); c.4057A>G, p.Met1353Val (NM_001410992.1); c.4060A>G, p.Met1354Val (NM_001410993.1); c.4153A>G, p.Met1385Val (NM_001410994.1); c.4156A>G (NM_018249.4); short protein forms M1156V, M1353V, M1354V, M1385V, M1386V.
Identifiers: ClinVar variation 2403736 (VCV002403736.5), dbSNP rs375313657, ClinGen allele CA5213654.

ClinVar aggregate classification (germline): Uncertain significance. Review status: criteria provided, multiple submitters, no conflicts (2 of 4 stars). 2 submissions from 2 submitters: Uncertain significance (2). Last evaluated 2022-05-14.

Conditions:
Inborn genetic diseases. Identifiers: MedGen C0950123, MeSH D030342.

Allele frequency attached by ClinVar (database versions not stated): gnomAD exomes 0.00001; ExAC 0.00002; TOPMed 0.00012; gnomAD 0.00013; ESP Exome Variant Server 0.00015.

Submissions (2):

Labcorp Genetics (formerly Invitae), Labcorp
Classification: Uncertain significance. Last evaluated: 2022-05-14. Review status: criteria provided, single submitter. Criteria: Invitae Variant Classification Sherloc (09022015). Collection method: clinical testing. Allele origin: germline.
Comment: This sequence change replaces methionine, which is neutral and non-polar, with valine, which is neutral and non-polar, at codon 1386 of the CDK5RAP2 protein (p.Met1386Val). This variant is present in population databases (rs375313657, gnomAD 0.05%). This variant has not been reported in the literature in individuals affected with CDK5RAP2-related conditions. Algorithms developed to predict the effect of missense changes on protein structure and function output the following: SIFT: "Tolerated"; PolyPhen-2: "Benign"; Align-GVGD: "Class C0". The valine amino acid residue is found in multiple mammalian species, which suggests that this missense change does not adversely affect protein function. In summary, the available evidence is currently insufficient to determine the role of this variant in disease. Therefore, it has been classified as a Variant of Uncertain Significance.

Ambry Genetics
Classification: Uncertain significance for Inborn genetic diseases. Last evaluated: 2022-02-02. Review status: criteria provided, single submitter. Criteria: Ambry Variant Classification Scheme 2023. Collection method: clinical testing. Allele origin: germline.